The following is an entry in ClinVar:

NM_002519.3(NPAT):c.50A>G (p.Gln17Arg)

Gene: NPAT (nuclear protein, coactivator of histone transcription; minus strand). Cytogenetic location: 11q22.3.
Variant type: single nucleotide variant.
Coding change: c.50A>G on transcript NM_002519.3 (MANE Select); coding-DNA position 50, A replaced by G.
Protein change: p.Gln17Arg; replaces glutamine 17 with arginine.
Molecular consequence: missense variant.
Genome position (GRCh38, 1-based): chr11:108,197,408, T>C on the plus strand (A>G on the coding strand, the complement: NPAT is on the minus strand). VCF-style: chr11-108197408-T-C. GRCh37 (hg19) VCF-style: chr11-108068135-T-C.
Other names: c.50A>G, p.Gln17Arg (NM_001321307.1); short protein forms Q17R.
Identifiers: ClinVar variation 2567967 (VCV002567967.2), dbSNP rs775421614, ClinGen allele CA6264431.
Genomic context (GRCh38, chr11:108,197,408, plus strand): 5'-TATTCTTTTAAATCTGAACTTTCCAAAATAAAAGTCTGGCAGGTAGAAATGAGGTTTTCT[T>C]GCTGTAAGTAACCTAAATAAAAAATAAAAGTTTAGGTACTTATACTAAATTCTGTACTTT-3'
Protein context (NP_002510.2, residues 7-27): VARLVLGYLQ[Gln17Arg]ENLISTCQTF

ClinVar aggregate classification (germline): Uncertain significance (1 of 4 stars; one submission).

Allele frequency attached by ClinVar (database versions not stated): ExAC 0.00001.

Submission:

Ambry Genetics
Classification: Uncertain significance. Last evaluated: 2023-04-03. Review status: criteria provided, single submitter. Criteria: Ambry Variant Classification Scheme 2023. Collection method: clinical testing. Allele origin: germline.
Comment: The p.Q17R variant (also known as c.50A>G), located in coding exon 2 of the NPAT gene, results from an A to G substitution at nucleotide position 50. The glutamine at codon 17 is replaced by arginine, an amino acid with highly similar properties. This amino acid position is conserved. In addition, this alteration is predicted to be tolerated by in silico analysis. Since supporting evidence is limited at this time, the clinical significance of this alteration remains unclear.